The following is an entry in ClinVar:

ClinVar aggregate classification (germline): Uncertain significance (1 of 4 stars; one submission).

Conditions:
Colorectal cancer, hereditary nonpolyposis, type 7. Identifiers: Orphanet 144, MedGen C1858380, MONDO:0013725, OMIM 614385.

Submission:

Labcorp Genetics (formerly Invitae), Labcorp
Classification: Uncertain significance for Colorectal cancer, hereditary nonpolyposis, type 7. Last evaluated: 2024-06-03. Review status: criteria provided, single submitter. Criteria: Invitae Variant Classification Sherloc (09022015). Collection method: clinical testing. Allele origin: germline.
Comment: This sequence change replaces isoleucine, which is neutral and non-polar, with phenylalanine, which is neutral and non-polar, at codon 2 of the MLH3 protein (p.Ile2Phe). This variant is not present in population databases (gnomAD no frequency). This variant has not been reported in the literature in individuals affected with MLH3-related conditions. An algorithm developed to predict the effect of missense changes on protein structure and function (PolyPhen-2) suggests that this variant is likely to be disruptive. In summary, the available evidence is currently insufficient to determine the role of this variant in disease. Therefore, it has been classified as a Variant of Uncertain Significance.

NM_001040108.2(MLH3):c.4A>T (p.Ile2Phe)

Gene: MLH3 (mutL homolog 3; minus strand). Cytogenetic location: 14q24.3.
Variant type: single nucleotide variant.
Coding change: c.4A>T on transcript NM_001040108.2 (MANE Select); coding-DNA position 4, A replaced by T.
Protein change: p.Ile2Phe; replaces isoleucine 2 with phenylalanine.
Molecular consequence: missense variant.
Genome position (GRCh38, 1-based): chr14:75,049,652, T>A on the plus strand (A>T on the coding strand, the complement: MLH3 is on the minus strand). VCF-style: chr14-75049652-T-A. GRCh37 (hg19) VCF-style: chr14-75516355-T-A.
Other names: c.4A>T, p.Ile2Phe (NM_014381.3); short protein forms I2F.
Identifiers: ClinVar variation 3683023 (VCV003683023.2).